The following is an entry in ClinVar:

NM_006908.5(RAC1):c.476C>T (p.Ala159Val)

Gene: RAC1 (Rac family small GTPase 1; plus strand). Cytogenetic location: 7p22.1.
Variant type: single nucleotide variant.
Coding change: c.476C>T on transcript NM_006908.5 (MANE Select); coding-DNA position 476, C replaced by T.
Protein change: p.Ala159Val; replaces alanine 159 with valine.
Molecular consequence: missense variant.
Genome position (GRCh38, 1-based): chr7:6,402,343, C>T. VCF-style: chr7-6402343-C-T. GRCh37 (hg19) VCF-style: chr7-6441974-C-T.
Other names: c.533C>T, p.Ala178Val (NM_018890.4); short protein forms A159V, A178V.
Identifiers: ClinVar variation 4530304 (VCV004530304.2).

ClinVar aggregate classification (somatic clinical impact): Tier II - Potential (1 of 4 stars; one submission).
ClinVar aggregate classification (oncogenicity): Uncertain significance (1 of 4 stars; one submission).

Conditions:
Medulloblastoma WNT activated. Identifiers: MedGen C4331965, MONDO:0850196.
Neoplasm. Also called: Neoplasms; Neoplasm (disease); tumor. Identifiers: MedGen C0027651, MeSH D009369, MONDO:0005070, HP:0002664.

Submissions (2):

Center for Genomic Medicine, Rigshospitalet, Copenhagen University Hospital
Classification: Uncertain significance for Neoplasm. Last evaluated: 2026-10-16. Review status: criteria provided, single submitter. Criteria: ClinGen/CGC/VICC Guidelines for Oncogenicity, 2022. Collection method: clinical testing. Allele origin: somatic. Affected: yes.

Institute for Genomic Medicine (IGM) Clinical Laboratory, Nationwide Children's Hospital
Classification: Tier II - Potential for Medulloblastoma WNT activated. Assertion type: diagnostic. Clinical significance: supports diagnosis. Last evaluated: 2023-09-05. Review status: criteria provided, single submitter. Criteria: AMP/ASCO/CAP Guidelines, 2017. Collection method: clinical testing. Allele origin: somatic. Affected: yes.
Comment: Variant has Tier II (potential) clinical significance as a diagnostic inclusion criterion in medulloblastoma WNT activated, based on the following evidence: 1) Documented in one or more cancer databases (e.g., St. Jude Pecan, COSMIC, CIViC, OncoKB). 2) Information in the literature supports potential biologic effect of variant (PMIDs: 26619011, 28115009). 3) Assists in diagnosis alone or along with other biomarkers based on small studies or few case reports (Evidence Level D; PMIDs: 29489754, 22588877).

Literature cited by the submitters: PubMed 26619011 (cited by Institute for Genomic Medicine (IGM) Clinical Laboratory, Nationwide Children's Hospital); PubMed 28115009 (cited by Institute for Genomic Medicine (IGM) Clinical Laboratory, Nationwide Children's Hospital); PubMed 29489754 (cited by Institute for Genomic Medicine (IGM) Clinical Laboratory, Nationwide Children's Hospital); PubMed 22588877 (cited by Institute for Genomic Medicine (IGM) Clinical Laboratory, Nationwide Children's Hospital).